The following is an entry in ClinVar:

NM_002103.5(GYS1):c.1716_1717del (p.Tyr572_Ser573delinsTer)

Gene: GYS1 (glycogen synthase 1; minus strand). Cytogenetic location: 19q13.33.
Variant type: Deletion.
Coding change: c.1716_1717del on transcript NM_002103.5 (MANE Select); coding-DNA positions 1716 to 1717, 2 bases deleted (CA; older notation c.1716_1717delCA).
Protein change: p.Tyr572_Ser573delinsTer.
Molecular consequence: nonsense. On other transcripts: non-coding transcript variant (1).
Genome position (GRCh38, 1-based): chr19:48,970,638-48,970,639, TG deleted on the plus strand (CA on the coding strand, the reverse complement: GYS1 is on the minus strand); deleting any 2 consecutive bases within chr19:48,970,638-48,970,640 gives the same sequence; the c. name uses the placement nearest the transcript's 3' end. VCF-style (leftmost placement, unchanged base first): chr19-48970637-CTG-C. GRCh37 (hg19) VCF-style: chr19-49473894-CTG-C.
Other names: c.1524_1525del, p.Tyr508_Ser509delinsTer (NM_001161587.2).
Identifiers: ClinVar variation 3347888 (VCV003347888.3).

ClinVar aggregate classification (germline): Pathogenic. Review status: criteria provided, single submitter (1 of 4 stars). 2 submissions from 2 submitters: Pathogenic (1). 1 of the submissions does not count toward it. Last evaluated 2024-02-06.

Conditions:
Glycogen storage disease due to muscle and heart glycogen synthase deficiency. Also called: GSD 0b; MUSCLE GLYCOGEN SYNTHASE DEFICIENCY. Identifiers: Orphanet 137625, MedGen C1969054, MONDO:0012693, OMIM 611556.
GYS1-related disorder. Also called: GYS1-related condition.

Submissions (2):

Labcorp Genetics (formerly Invitae), Labcorp
Classification: Pathogenic for Glycogen storage disease due to muscle and heart glycogen synthase deficiency. Last evaluated: 2024-02-06. Review status: criteria provided, single submitter. Criteria: Invitae Variant Classification Sherloc (09022015). Collection method: clinical testing. Allele origin: germline.
Comment: This sequence change creates a premature translational stop signal (p.Tyr572*) in the GYS1 gene. It is expected to result in an absent or disrupted protein product. Loss-of-function variants in GYS1 are known to be pathogenic (PMID: 17928598, 19699667). This variant is present in population databases (no rsID available, gnomAD 0.007%). This variant has not been reported in the literature in individuals affected with GYS1-related conditions. For these reasons, this variant has been classified as Pathogenic.

PreventionGenetics, part of Exact Sciences
Classification: Likely pathogenic for GYS1-related condition. Last evaluated: 2024-06-15. Review status: no assertion criteria provided. Collection method: clinical testing. Allele origin: germline. Not counted in ClinVar's aggregate classification.
Comment: The GYS1 c.1716_1717delCA variant is predicted to result in premature protein termination (p.Tyr572*). To our knowledge, this variant has not been reported in the literature. This variant is reported in 0.0016% of alleles in individuals of European (Non-Finnish) descent in gnomAD. Frameshift variants in GYS1 are expected to be pathogenic. This variant is interpreted as likely pathogenic.

Literature cited by the submitters: PubMed 17928598 (cited by Labcorp Genetics (formerly Invitae), Labcorp); PubMed 19699667 (cited by Labcorp Genetics (formerly Invitae), Labcorp).